The following is an entry in ClinVar:

NM_024747.6(HPS6):c.486T>A (p.Cys162Ter)

Gene: HPS6 (HPS6 biogenesis of lysosomal organelles complex 2 subunit 3; plus strand). Cytogenetic location: 10q24.32.
Variant type: single nucleotide variant.
Coding change: c.486T>A on transcript NM_024747.6 (MANE Select); coding-DNA position 486, T replaced by A.
Protein change: p.Cys162Ter; replaces cysteine 162 with a stop codon.
Molecular consequence: nonsense.
Genome position (GRCh38, 1-based): chr10:102,065,960, T>A. VCF-style: chr10-102065960-T-A. GRCh37 (hg19) VCF-style: chr10-103825717-T-A.
Other names: short protein forms C162*.
Identifiers: ClinVar variation 3729647 (VCV003729647.2).

ClinVar aggregate classification (germline): Pathogenic (1 of 4 stars; one submission).

gnomAD v4.1: 2 of 1,594,886 alleles (0.00013%); highest among the groups gnomAD compares: Non-Finnish European, 0.000085%; no homozygotes.

Submission:

Labcorp Genetics (formerly Invitae), Labcorp
Classification: Pathogenic. Last evaluated: 2025-10-19. Review status: criteria provided, single submitter. Criteria: Invitae Variant Classification Sherloc (09022015). Collection method: clinical testing. Allele origin: germline.
Comment: This sequence change creates a premature translational stop signal (p.Cys162*) in the HPS6 gene. While this is not anticipated to result in nonsense mediated decay, it is expected to disrupt the last 614 amino acid(s) of the HPS6 protein. This variant is not present in population databases (gnomAD no frequency). This variant has not been reported in the literature in individuals affected with HPS6-related conditions. ClinVar contains an entry for this variant (Variation ID: 3729647). This variant disrupts a region of the HPS6 protein in which other variant(s) (p.Gln305*) have been determined to be pathogenic (PMID: 19843503). This suggests that this is a clinically significant region of the protein, and that variants that disrupt it are likely to be disease-causing. For these reasons, this variant has been classified as Pathogenic.

Literature cited by the submitters: PubMed 19843503.